The following is an entry in ClinVar:

ClinVar aggregate classification (germline): Uncertain significance. Review status: criteria provided, multiple submitters, no conflicts (2 of 4 stars). 2 submissions from 2 submitters: Uncertain significance (2). Last evaluated 2025-01-07.

Conditions:
Inborn genetic diseases. Identifiers: MedGen C0950123, MeSH D030342.
MACF1-related disorder. Also called: MACF1-related condition.

Allele frequency attached by ClinVar (database versions not stated): gnomAD exomes below 0.00001; gnomAD 0.00001; TOPMed 0.00001.
gnomAD v4.1: 5 of 1,614,042 alleles (0.00031%); highest among the groups gnomAD compares: African/African-American, 0.0027%; no homozygotes.

Submissions (2):

PreventionGenetics, part of Exact Sciences
Classification: Uncertain significance for MACF1-related condition. Last evaluated: 2025-01-07. Review status: criteria provided, single submitter. Criteria: ACMG Guidelines, 2015. Collection method: clinical testing. Allele origin: germline.
Comment: The MACF1 c.7271T>C variant is predicted to result in the amino acid substitution p.Met2424Thr. To our knowledge, this variant has not been reported in the literature or in a large population database (gnomAD), indicating this variant is rare. At this time, the clinical significance of this variant is uncertain due to the absence of conclusive functional and genetic evidence.

Ambry Genetics
Classification: Uncertain significance for Inborn genetic diseases. Last evaluated: 2021-12-14. Review status: criteria provided, single submitter. Criteria: Ambry Variant Classification Scheme 2023. Collection method: clinical testing. Allele origin: germline.

NM_001394062.1(MACF1):c.13457T>C (p.Met4486Thr)

Gene: MACF1 (microtubule actin crosslinking factor 1; plus strand). Cytogenetic location: 1p34.3.
Variant type: single nucleotide variant.
Coding change: c.13457T>C on transcript NM_001394062.1 (MANE Select); coding-DNA position 13457, T replaced by C.
Protein change: p.Met4486Thr; replaces methionine 4486 with threonine.
Molecular consequence: missense variant.
Genome position (GRCh38, 1-based): chr1:39,379,383, T>C. VCF-style: chr1-39379383-T-C. GRCh37 (hg19) VCF-style: chr1-39845055-T-C.
Other names: c.7271T>C, p.Met2424Thr (NM_012090.5); short protein forms M2424T, M4486T.
Identifiers: ClinVar variation 2266892 (VCV002266892.3), dbSNP rs1569802695, ClinGen allele CA339831277.